The following is an entry in ClinVar:

NC_000003.11:g.(?_99509527)_(101484395_?)del

Genes: ABI3BP (ABI family member 3 binding protein; minus strand), ADGRG7 (adhesion G protein-coupled receptor G7; plus strand), CEP97 (centrosomal protein 97; plus strand), CMSS1 (cms1 ribosomal small subunit homolog; plus strand), COL8A1 (collagen type VIII alpha 1 chain; plus strand) and 13 more. Cytogenetic location: 3q12.1-12.3.
Variant type: Deletion.
Identifiers: ClinVar variation 3247040 (VCV003247040.1).

ClinVar aggregate classification (germline): Uncertain significance (1 of 4 stars; one submission).

Submission:

Labcorp Genetics (formerly Invitae), Labcorp
Classification: Uncertain significance. Last evaluated: 2023-02-02. Review status: criteria provided, single submitter. Criteria: Invitae Variant Classification Sherloc (09022015). Collection method: clinical testing. Allele origin: unknown.
Comment: In summary, the available evidence is currently insufficient to determine the role of this variant in disease. Therefore, it has been classified as a Variant of Uncertain Significance. This variant has not been reported in the literature in individuals affected with CEP97-related conditions. A gross deletion of the genomic region encompassing the full coding sequence of the CEP97 gene has been identified. The current clinical and genetic evidence is not sufficient to establish whether loss-of-function variants in CEP97 cause disease. The boundaries of this event are unknown as they extend beyond the assayed region for this gene and therefore may encompass additional genes.